The following is an entry in ClinVar:

ClinVar aggregate classification (germline): Uncertain significance. Review status: criteria provided, multiple submitters, no conflicts (2 of 4 stars). 2 submissions from 2 submitters: Uncertain significance (2). Last evaluated 2026-07-06.

Conditions:
Cardiovascular phenotype. Identifiers: MedGen CN230736.

gnomAD v4.1: 9 of 1,613,216 alleles (0.00056%); highest among the groups gnomAD compares: Non-Finnish European, 0.00076%; no homozygotes.

Submissions (2):

Ambry Genetics
Classification: Uncertain significance for Cardiovascular phenotype. Last evaluated: 2026-07-06. Review status: criteria provided, single submitter. Criteria: Ambry Variant Classification Scheme 2023. Collection method: clinical testing. Allele origin: germline.
Comment: The p.P1600A variant (also known as c.4798C>G), located in coding exon 36 of the RYR2 gene, results from a C to G substitution at nucleotide position 4798. The proline at codon 1600 is replaced by alanine, an amino acid with highly similar properties. This amino acid position is conserved. In addition, this alteration is predicted to be deleterious by in silico analysis. Based on the available evidence, the clinical significance of this variant remains unclear.

Blueprint Genetics
Classification: Uncertain significance. Last evaluated: 2024-07-09. Review status: criteria provided, single submitter. Criteria: ACMG Guidelines, 2015. Collection method: clinical testing. Allele origin: germline.

NM_001035.3(RYR2):c.4798C>G (p.Pro1600Ala)

Gene: RYR2 (ryanodine receptor 2; plus strand). Cytogenetic location: 1q43.
Variant type: single nucleotide variant.
Coding change: c.4798C>G on transcript NM_001035.3 (MANE Select); coding-DNA position 4798, C replaced by G.
Protein change: p.Pro1600Ala; replaces proline 1600 with alanine.
Molecular consequence: missense variant.
Genome position (GRCh38, 1-based): chr1:237,610,876, C>G. VCF-style: chr1-237610876-C-G. GRCh37 (hg19) VCF-style: chr1-237774176-C-G.
Other names: c.4798C>G (NM_001035.2); short protein forms P1600A.
Identifiers: ClinVar variation 4947078 (VCV004947078.2).